The following is an entry in ClinVar:

ClinVar aggregate classification (germline): Conflicting classifications of pathogenicity. Review status: criteria provided, conflicting classifications (1 of 4 stars). 3 submissions from 3 submitters: Uncertain significance (2); Likely benign (1). Last evaluated 2025-09-09.

Allele frequency attached by ClinVar (database versions not stated): gnomAD exomes 0.00009; ExAC 0.00012; TOPMed 0.00014; 1000 Genomes Project 30x 0.00016; 1000 Genomes Project 0.00020.

Submissions (3):

Labcorp Genetics (formerly Invitae), Labcorp
Classification: Uncertain significance. Last evaluated: 2025-09-09. Review status: criteria provided, single submitter. Criteria: Invitae Variant Classification Sherloc (09022015). Collection method: clinical testing. Allele origin: germline.
Comment: This sequence change replaces glycine, which is neutral and non-polar, with serine, which is neutral and polar, at codon 191 of the ROM1 protein (p.Gly191Ser). This variant is present in population databases (rs562434504, gnomAD 0.07%), and has an allele count higher than expected for a pathogenic variant. This variant has not been reported in the literature in individuals affected with ROM1-related conditions. ClinVar contains an entry for this variant (Variation ID: 960804). Invitae Evidence Modeling of protein sequence and biophysical properties (such as structural, functional, and spatial information, amino acid conservation, physicochemical variation, residue mobility, and thermodynamic stability) indicates that this missense variant is not expected to disrupt ROM1 protein function with a negative predictive value of 80%. In summary, the available evidence is currently insufficient to determine the role of this variant in disease. Therefore, it has been classified as a Variant of Uncertain Significance.

Ambry Genetics
Classification: Likely benign. Last evaluated: 2024-09-03. Review status: criteria provided, single submitter. Criteria: Ambry Variant Classification Scheme 2023. Collection method: clinical testing. Allele origin: germline.

Blueprint Genetics
Classification: Uncertain significance. Last evaluated: 2024-04-09. Review status: criteria provided, single submitter. Criteria: ACMG Guidelines, 2015. Collection method: clinical testing. Allele origin: germline.

NM_000327.4(ROM1):c.571G>A (p.Gly191Ser)

Gene: ROM1 (retinal outer segment membrane protein 1; plus strand). Cytogenetic location: 11q12.3.
Variant type: single nucleotide variant.
Coding change: c.571G>A on transcript NM_000327.4 (MANE Select); coding-DNA position 571, G replaced by A.
Protein change: p.Gly191Ser; replaces glycine 191 with serine.
Molecular consequence: missense variant.
Genome position (GRCh38, 1-based): chr11:62,613,852, G>A. VCF-style: chr11-62613852-G-A. GRCh37 (hg19) VCF-style: chr11-62381324-G-A.
Other names: short protein forms G191S.
Identifiers: ClinVar variation 960804 (VCV000960804.10), dbSNP rs562434504, ClinGen allele CA6049767.